The following is an entry in ClinVar:

ClinVar aggregate classification (germline): Uncertain significance (1 of 4 stars; one submission).

Conditions:
Cardiovascular phenotype. Identifiers: MedGen CN230736.

Submission:

Ambry Genetics
Classification: Uncertain significance for Cardiovascular phenotype. Last evaluated: 2023-01-31. Review status: criteria provided, single submitter. Criteria: Ambry Variant Classification Scheme 2023. Collection method: clinical testing. Allele origin: germline.
Comment: The c.513A>G variant (also known as p.S171S), located in coding exon 6 of the EMD gene, results from an A to G substitution at nucleotide position 513. This nucleotide substitution does not change the serine at codon 171. This nucleotide position is poorly conserved in available vertebrate species. In silico splice site analysis for this alteration is inconclusive. Since supporting evidence is limited at this time, the clinical significance of this alteration remains unclear.

NM_000117.3(EMD):c.513A>G (p.Ser171=)

Gene: EMD (emerin; plus strand). Cytogenetic location: Xq28.
Variant type: single nucleotide variant.
Coding change: c.513A>G on transcript NM_000117.3 (MANE Select); coding-DNA position 513, A replaced by G.
Protein change: p.Ser171=; no amino-acid change (serine 171 retained).
Molecular consequence: synonymous variant.
Genome position (GRCh38, 1-based): chrX:154,380,945, A>G. VCF-style: chrX-154380945-A-G. GRCh37 (hg19) VCF-style: chrX-153609305-A-G.
Identifiers: ClinVar variation 2451682 (VCV002451682.2), dbSNP rs2522790231, ClinGen allele CA519709986.